The following is an entry in ClinVar:

ClinVar aggregate classification (germline): Pathogenic (1 of 4 stars; one submission).

Conditions:
Seizures, benign familial infantile, 3 (BFIS3). Also called: Familial neonatal seizures; CONVULSIONS, BENIGN FAMILIAL INFANTILE, 3. Identifiers: Orphanet 140927, Orphanet 306, MedGen C1843140, MONDO:0011904, OMIM 607745.
Developmental and epileptic encephalopathy, 11 (DEE11). Also called: Early infantile epileptic encephalopathy 11. Identifiers: Orphanet 1934, MedGen C3150987, MONDO:0013388, OMIM 613721.

Submission:

Labcorp Genetics (formerly Invitae), Labcorp
Classification: Pathogenic for Seizures, benign familial infantile, 3; Developmental and epileptic encephalopathy, 11. Last evaluated: 2022-11-29. Review status: criteria provided, single submitter. Criteria: Invitae Variant Classification Sherloc (09022015). Collection method: clinical testing. Allele origin: germline.
Comment: For these reasons, this variant has been classified as Pathogenic. Advanced modeling of protein sequence and biophysical properties (such as structural, functional, and spatial information, amino acid conservation, physicochemical variation, residue mobility, and thermodynamic stability) performed at Invitae indicates that this missense variant is expected to disrupt SCN2A protein function. ClinVar contains an entry for this variant (Variation ID: 1443607). This missense change has been observed in individual(s) with SCN2A-related conditions (PMID: 26291284). In at least one individual the variant was observed to be de novo. This variant is not present in population databases (gnomAD no frequency). This sequence change replaces asparagine, which is neutral and polar, with lysine, which is basic and polar, at codon 976 of the SCN2A protein (p.Asn976Lys).

Literature cited by the submitters: PubMed 26291284.

NM_001040142.2(SCN2A):c.2928C>A (p.Asn976Lys)

Gene: SCN2A (sodium voltage-gated channel alpha subunit 2; plus strand). Cytogenetic location: 2q24.3.
Variant type: single nucleotide variant.
Coding change: c.2928C>A on transcript NM_001040142.2 (MANE Select); coding-DNA position 2928, C replaced by A.
Protein change: p.Asn976Lys; replaces asparagine 976 with lysine.
Molecular consequence: missense variant.
Genome position (GRCh38, 1-based): chr2:165,354,200, C>A. VCF-style: chr2-165354200-C-A. GRCh37 (hg19) VCF-style: chr2-166210710-C-A.
Other names: c.2928C>A, p.Asn976Lys (NM_001040143.2, NM_001371246.1, NM_001371247.1 and 1 more transcripts); short protein forms N976K.
Identifiers: ClinVar variation 1443607 (VCV001443607.8), dbSNP rs2105336790, ClinGen allele CA349019359.